The following is an entry in ClinVar:

NM_003036.4(SKI):c.1474+1G>A

Gene: SKI (SKI proto-oncogene; plus strand). Cytogenetic location: 1p36.32.
Variant type: single nucleotide variant.
Coding change: c.1474+1G>A on transcript NM_003036.4 (MANE Select); the canonical splice donor site of the intron after coding-DNA position 1474, G replaced by A.
Molecular consequence: splice donor variant.
Genome position (GRCh38, 1-based): chr1:2,304,103, G>A. VCF-style: chr1-2304103-G-A. GRCh37 (hg19) VCF-style: chr1-2235542-G-A.
Identifiers: ClinVar variation 520159 (VCV000520159.6), dbSNP rs112549942, ClinGen allele CA337956904.

ClinVar aggregate classification (germline): Conflicting classifications of pathogenicity. Review status: criteria provided, conflicting classifications (1 of 4 stars). 2 submissions from 2 submitters: Likely pathogenic (1); Uncertain significance (1). Last evaluated 2025-06-04.

Conditions:
Shprintzen-Goldberg syndrome (SGS). Also called: CRANIOSYNOSTOSIS WITH ARACHNODACTYLY AND ABDOMINAL HERNIAS; Marfanoid disorder with craniosynostosis type 1; Marfanoid craniosynostosis syndrome; Shprintzen-Goldberg marfanoid syndrome; SHPRINTZEN-GOLDBERG CRANIOSYNOSTOSIS SYNDROME. Identifiers: Orphanet 2462, MedGen C1321551, MONDO:0008426, OMIM 182212.
Familial thoracic aortic aneurysm and aortic dissection (TAAD). Also called: Thoracic aortic aneurysms and dissections. Identifiers: Orphanet 91387, MedGen C4707243, MONDO:0019625.

Allele frequency attached by ClinVar (database versions not stated): TOPMed 0.00001; gnomAD exomes below 0.00001; gnomAD 0.00001.
gnomAD v4.1: 5 of 1,612,256 alleles (0.00031%); highest among the groups gnomAD compares: Non-Finnish European, 0.00042%; no homozygotes.

Submissions (2):

Human Genetics Bochum, Ruhr University Bochum
Classification: Likely pathogenic for Shprintzen-Goldberg syndrome. Last evaluated: 2025-06-04. Review status: criteria provided, single submitter. Criteria: ACMG Guidelines, 2015. Collection method: clinical testing. Allele origin: germline. Affected: yes.
Comment: ACMG criteria used to clasify this variant: PVS1, PM2_SUP

Ambry Genetics
Classification: Uncertain significance for Familial thoracic aortic aneurysm and aortic dissection. Last evaluated: 2016-12-22. Review status: criteria provided, single submitter. Criteria: Ambry Variant Classification Scheme 2023. Collection method: clinical testing. Allele origin: germline.
Comment: The c.1474+1G>A intronic variant results from a G to A substitution one nucleotide after coding exon 4 of the SKI gene. This nucleotide position is highly conserved in available vertebrate species. Using the ESEfinder and Human Splicing Finder (HSF) splice site prediction tools, this alteration is predicted to abolish and weaken, respectively, the native splice donor site; however, direct evidence is unavailable (Desmet FO et al. Nucleic Acids Res. 2009 May;37(9):e67). The BDGP splice prediction software does not produce a reliable prediction for the nearby native splice donor site. Alterations that disrupt the canonical splice site are expected to cause aberrant splicing, resulting in an abnormal protein or a transcript that is subject to nonsense-mediated mRNA decay. However, loss of function of SKI has not been clearly established as a mechanism of disease. Since supporting evidence is limited at this time, the clinical significance of this alteration remains unclear.